The following is an entry in ClinVar:

ClinVar aggregate classification (germline): Uncertain significance. Review status: criteria provided, multiple submitters, no conflicts (2 of 4 stars). 2 submissions from 2 submitters: Uncertain significance (2). Last evaluated 2025-02-09.

Conditions:
Congenital myasthenic syndrome 2A. Also called: Myasthenic syndrome, congenital, 2a, slow-channel. Identifiers: Orphanet 590, MedGen C4225374, MONDO:0014581, OMIM 616313.
Inborn genetic diseases. Identifiers: MedGen C0950123, MeSH D030342.

Allele frequency attached by ClinVar (database versions not stated): TOPMed 0.00001; ExAC 0.00002; gnomAD exomes 0.00002 and 0.00003.

Submissions (2):

Ambry Genetics
Classification: Uncertain significance for Inborn genetic diseases. Last evaluated: 2025-02-09. Review status: criteria provided, single submitter. Criteria: Ambry Variant Classification Scheme 2023. Collection method: clinical testing. Allele origin: germline.

Labcorp Genetics (formerly Invitae), Labcorp
Classification: Uncertain significance for Congenital myasthenic syndrome 2A. Last evaluated: 2023-09-29. Review status: criteria provided, single submitter. Criteria: Invitae Variant Classification Sherloc (09022015). Collection method: clinical testing. Allele origin: germline.
Comment: This sequence change replaces methionine, which is neutral and non-polar, with valine, which is neutral and non-polar, at codon 167 of the CHRNB1 protein (p.Met167Val). This variant is present in population databases (rs755445802, gnomAD 0.004%). This variant has not been reported in the literature in individuals affected with CHRNB1-related conditions. ClinVar contains an entry for this variant (Variation ID: 962926). Advanced modeling of protein sequence and biophysical properties (such as structural, functional, and spatial information, amino acid conservation, physicochemical variation, residue mobility, and thermodynamic stability) performed at Invitae indicates that this missense variant is not expected to disrupt CHRNB1 protein function. In summary, the available evidence is currently insufficient to determine the role of this variant in disease. Therefore, it has been classified as a Variant of Uncertain Significance.

NM_000747.3(CHRNB1):c.499A>G (p.Met167Val)

Gene: CHRNB1 (cholinergic receptor nicotinic beta 1 subunit; plus strand). Cytogenetic location: 17p13.1.
Variant type: single nucleotide variant.
Coding change: c.499A>G on transcript NM_000747.3 (MANE Select); coding-DNA position 499, A replaced by G.
Protein change: p.Met167Val; replaces methionine 167 with valine.
Molecular consequence: missense variant.
Genome position (GRCh38, 1-based): chr17:7,447,539, A>G. VCF-style: chr17-7447539-A-G. GRCh37 (hg19) VCF-style: chr17-7350858-A-G.
Other names: short protein forms M167V.
Identifiers: ClinVar variation 962926 (VCV000962926.11), dbSNP rs755445802, ClinGen allele CA8347795.